The following is an entry in ClinVar:

NM_006767.4(LZTR1):c.2318T>G (p.Val773Gly)

Gene: LZTR1 (leucine zipper like post translational regulator 1; plus strand). Cytogenetic location: 22q11.21.
Variant type: single nucleotide variant.
Coding change: c.2318T>G on transcript NM_006767.4 (MANE Select); coding-DNA position 2318, T replaced by G.
Protein change: p.Val773Gly; replaces valine 773 with glycine.
Molecular consequence: missense variant.
Genome position (GRCh38, 1-based): chr22:20,996,794, T>G. VCF-style: chr22-20996794-T-G. GRCh37 (hg19) VCF-style: chr22-21351083-T-G.
Other names: short protein forms V773G.
Identifiers: ClinVar variation 2835704 (VCV002835704.3), dbSNP rs2518625837, ClinGen allele CA410780936.
Genomic context (GRCh38, chr22:20,996,794, plus strand): 5'-ACAACCGGCTGCAGGCGTACTGCAAGCAGAACCTGGAGATGAACGTGACGGTGCAGAACG[T>G]GCTGCAGGTAGCCCCCCAGCCCCGTGCACATGGCTGCAGCTCCCACTGAGTGGGTGAAAG-3'
Protein context (NP_006758.2, residues 763-783): NLEMNVTVQN[Val773Gly]LQILEAADKT

ClinVar aggregate classification (germline): Uncertain significance (1 of 4 stars; one submission).

Allele frequency attached by ClinVar (database versions not stated): gnomAD exomes below 0.00001.
gnomAD v4.1: 2 of 1,613,606 alleles (0.00012%); highest among the groups gnomAD compares: East Asian, 0.0022%; no homozygotes.

Submission:

Labcorp Genetics (formerly Invitae), Labcorp
Classification: Uncertain significance. Last evaluated: 2023-02-09. Review status: criteria provided, single submitter. Criteria: Invitae Variant Classification Sherloc (09022015). Collection method: clinical testing. Allele origin: germline.
Comment: In summary, the available evidence is currently insufficient to determine the role of this variant in disease. Therefore, it has been classified as a Variant of Uncertain Significance. Advanced modeling of protein sequence and biophysical properties (such as structural, functional, and spatial information, amino acid conservation, physicochemical variation, residue mobility, and thermodynamic stability) performed at Invitae indicates that this missense variant is not expected to disrupt LZTR1 protein function. This variant has not been reported in the literature in individuals affected with LZTR1-related conditions. This variant is not present in population databases (gnomAD no frequency). This sequence change replaces valine, which is neutral and non-polar, with glycine, which is neutral and non-polar, at codon 773 of the LZTR1 protein (p.Val773Gly).